The following is an entry in ClinVar:

ClinVar aggregate classification (germline): Uncertain significance (1 of 4 stars; one submission).

Allele frequency attached by ClinVar (database versions not stated): gnomAD exomes 0.00001; TOPMed 0.00002.
gnomAD v4.1: 20 of 1,583,524 alleles (0.0013%); highest among the groups gnomAD compares: Non-Finnish European, 0.0017%; no homozygotes.

Submission:

Labcorp Genetics (formerly Invitae), Labcorp
Classification: Uncertain significance. Last evaluated: 2021-02-25. Review status: criteria provided, single submitter. Criteria: Invitae Variant Classification Sherloc (09022015). Collection method: clinical testing. Allele origin: germline.
Comment: In summary, the available evidence is currently insufficient to determine the role of this variant in disease. Therefore, it has been classified as a Variant of Uncertain Significance. Nucleotide substitutions within the consensus splice site are a relatively common cause of aberrant splicing (PMID: 17576681, 9536098). Algorithms developed to predict the effect of sequence changes on RNA splicing suggest that this variant may disrupt the consensus splice site, but this prediction has not been confirmed by published transcriptional studies. Algorithms developed to predict the effect of missense changes on protein structure and function (SIFT, PolyPhen-2, Align-GVGD) all suggest that this variant is likely to be disruptive, but these predictions have not been confirmed by published functional studies and their clinical significance is uncertain. This variant has not been reported in the literature in individuals with MPDZ-related conditions. This variant is not present in population databases (ExAC no frequency). This sequence change replaces lysine with asparagine at codon 1838 of the MPDZ protein (p.Lys1838Asn). The lysine residue is highly conserved and there is a moderate physicochemical difference between lysine and asparagine. This variant also falls at the last nucleotide of exon 41, which is part of the consensus splice site for this exon.

Literature cited by the submitters: PubMed 17576681; PubMed 9536098.

NM_001378778.1(MPDZ):c.5601G>C (p.Lys1867Asn)

Gene: MPDZ (multiple PDZ domain crumbs cell polarity complex component; minus strand). Cytogenetic location: 9p23.
Variant type: single nucleotide variant.
Coding change: c.5601G>C on transcript NM_001378778.1 (MANE Select); coding-DNA position 5601, G replaced by C.
Protein change: p.Lys1867Asn; replaces lysine 1867 with asparagine.
Molecular consequence: missense variant.
Genome position (GRCh38, 1-based): chr9:13,113,011, C>G on the plus strand (G>C on the coding strand, the complement: MPDZ is on the minus strand). VCF-style: chr9-13113011-C-G. GRCh37 (hg19) VCF-style: chr9-13113010-C-G.
Other names: c.5502G>C, p.Lys1834Asn (NM_001261406.2, NM_001375416.1, NM_001375417.1 and 1 more transcripts); c.5415G>C, p.Lys1805Asn (NM_001261407.2, NM_001375419.1); c.5601G>C, p.Lys1867Asn (NM_001330637.2); c.5700G>C, p.Lys1900Asn (NM_001375413.1); c.5391G>C, p.Lys1797Asn (NM_001375420.1, NM_001375421.1, NM_001375422.1 and 2 more transcripts); c.5304G>C, p.Lys1768Asn (NM_001375425.1, NM_001375426.1); c.5193G>C, p.Lys1731Asn (NM_001375427.1); c.5514G>C, p.Lys1838Asn (NM_003829.5); short protein forms K1805N, K1867N, K1900N, K1731N, K1768N, K1797N, K1838N, K1834N.
Identifiers: ClinVar variation 1411960 (VCV001411960.8), dbSNP rs61753786, ClinGen allele CA189269538.